The following is an entry in ClinVar:

NC_000015.9:g.(?_72103074)_(72110035_?)del

Gene: NR2E3 (nuclear receptor subfamily 2 group E member 3; plus strand). Cytogenetic location: 15q23.
Variant type: Deletion.
Identifiers: ClinVar variation 1069860 (VCV001069860.4).

ClinVar aggregate classification (germline): Pathogenic (1 of 4 stars; one submission).

Submission:

Labcorp Genetics (formerly Invitae), Labcorp
Classification: Pathogenic. Last evaluated: 2020-02-14. Review status: criteria provided, single submitter. Criteria: Invitae Variant Classification Sherloc (09022015). Collection method: clinical testing. Allele origin: germline.
Comment: A gross deletion of the genomic region encompassing the full coding sequence of the NR2E3 gene has been identified. The boundaries of this event are unknown as the deletion extends beyond the assayed region for this gene and therefore may encompass additional genes. This variant has not been reported in the literature in individuals with NR2E3-related conditions. Loss-of-function variants in NR2E3 are known to be pathogenic (PMID: 15459973, 27522502). For these reasons, this variant has been classified as Pathogenic.

Literature cited by the submitters: PubMed 15459973; PubMed 27522502.